The following is an entry in ClinVar:

NM_001042492.3(NF1):c.1986del (p.Asn664fs)

Gene: NF1 (neurofibromin 1; plus strand). Cytogenetic location: 17q11.2.
Variant type: Deletion.
Coding change: c.1986del on transcript NM_001042492.3 (MANE Select); coding-DNA position 1986, one base deleted (A; older notation c.1986delA).
Protein change: p.Asn664fs; shifts the reading frame from asparagine 664.
Molecular consequence: frameshift variant.
Genome position (GRCh38, 1-based): chr17:31,225,235, A deleted; the last of 4 consecutive A bases (chr17:31,225,232-31,225,235); deleting any one gives the same sequence. VCF-style (leftmost placement, unchanged base first): chr17-31225231-GA-G. GRCh37 (hg19) VCF-style: chr17-29552249-GA-G.
Other names: c.1986delA (NM_000267.3); c.1986delA, p.Asn664Thrfs (NM_000267.4); short protein forms N664fs.
Identifiers: ClinVar variation 996390 (VCV000996390.10), dbSNP rs2066993468, ClinGen allele CA2255562314.

ClinVar aggregate classification (germline): Pathogenic/Likely pathogenic. Review status: criteria provided, multiple submitters, no conflicts (2 of 4 stars). 4 submissions from 4 submitters: Pathogenic (3); Likely pathogenic (1). Last evaluated 2025-04-24.

Conditions:
Neurofibromatosis, type 1 (NF1). Also called: Neurofibromatosis, type I; VON RECKLINGHAUSEN DISEASE; NEUROFIBROMATOSIS, TYPE I, SOMATIC; Peripheral type neurofibromatosis. Identifiers: Orphanet 636, MedGen C0027831, MONDO:0018975, OMIM 162200. Disease mechanism: loss of function.

Submissions (4):

GeneDx
Classification: Pathogenic. Last evaluated: 2025-04-24. Review status: criteria provided, single submitter. Criteria: GeneDx Variant Classification Process June 2021. Collection method: clinical testing. Allele origin: germline. Affected: yes.
Comment: Frameshift variant predicted to result in protein truncation or nonsense mediated decay in a gene for which loss of function is a known mechanism of disease; Has not been previously published as pathogenic or benign to our knowledge; Not observed at significant frequency in large population cohorts (gnomAD); This variant is associated with the following publications: (PMID: 27716896, 27535533)

Labcorp Genetics (formerly Invitae), Labcorp
Classification: Pathogenic for Neurofibromatosis, type 1. Last evaluated: 2022-05-17. Review status: criteria provided, single submitter. Criteria: Invitae Variant Classification Sherloc (09022015). Collection method: clinical testing. Allele origin: germline.
Comment: For these reasons, this variant has been classified as Pathogenic. ClinVar contains an entry for this variant (Variation ID: 996390). This variant has not been reported in the literature in individuals affected with NF1-related conditions. This variant is not present in population databases (gnomAD no frequency). This sequence change creates a premature translational stop signal (p.Asn664Thrfs*24) in the NF1 gene. It is expected to result in an absent or disrupted protein product. Loss-of-function variants in NF1 are known to be pathogenic (PMID: 10712197, 23913538).

Genome-Nilou Lab
Classification: Pathogenic for Neurofibromatosis, type 1. Last evaluated: 2022-03-15. Review status: criteria provided, single submitter. Criteria: ACMG Guidelines, 2015. Collection method: clinical testing. Allele origin: germline. Affected: no.

Genome Diagnostics Laboratory, The Hospital for Sick Children
Classification: Likely pathogenic for Neurofibromatosis, type 1. Last evaluated: 2020-10-26. Review status: criteria provided, single submitter. Criteria: ACMG Guidelines, 2015. Collection method: clinical testing. Allele origin: germline. Affected: yes.

Literature cited by the submitters: PubMed 10712197 (cited by Labcorp Genetics (formerly Invitae), Labcorp); PubMed 23913538 (cited by Labcorp Genetics (formerly Invitae), Labcorp).